The following is an entry in ClinVar:

ClinVar aggregate classification (germline): Uncertain significance (1 of 4 stars; one submission).

Submission:

Ambry Genetics
Classification: Uncertain significance. Last evaluated: 2023-03-26. Review status: criteria provided, single submitter. Criteria: Ambry Variant Classification Scheme 2023. Collection method: clinical testing. Allele origin: germline.
Comment: The p.S2495C variant (also known as c.7484C>G), located in coding exon 56 of the PRKDC gene, results from a C to G substitution at nucleotide position 7484. The serine at codon 2495 is replaced by cysteine, an amino acid with dissimilar properties. This amino acid position is conserved. Since supporting evidence is limited at this time, the clinical significance of this alteration remains unclear.

NM_006904.7(PRKDC):c.7484C>G (p.Ser2495Cys)

Gene: PRKDC (protein kinase, DNA-activated, catalytic subunit; minus strand). Cytogenetic location: 8q11.21.
Variant type: single nucleotide variant.
Coding change: c.7484C>G on transcript NM_006904.7 (MANE Select); coding-DNA position 7484, C replaced by G.
Protein change: p.Ser2495Cys; replaces serine 2495 with cysteine.
Molecular consequence: missense variant.
Genome position (GRCh38, 1-based): chr8:47,839,217, G>C on the plus strand (C>G on the coding strand, the complement: PRKDC is on the minus strand). VCF-style: chr8-47839217-G-C. GRCh37 (hg19) VCF-style: chr8-48751778-G-C.
Other names: c.7484C>G, p.Ser2495Cys (NM_001081640.2); short protein forms S2495C.
Identifiers: ClinVar variation 2564507 (VCV002564507.2), dbSNP rs2551867751, ClinGen allele CA371154675.